The following is an entry in ClinVar:

NM_001267550.2(TTN):c.46967-1G>C

Genes: TTN-AS1 (TTN antisense RNA 1; plus strand), TTN (titin; minus strand). Cytogenetic location: 2q31.2.
Variant type: single nucleotide variant.
Coding change: c.46967-1G>C on transcript NM_001267550.2 (MANE Select); the canonical splice acceptor site of the intron before coding-DNA position 46967, G replaced by C.
Molecular consequence: splice acceptor variant.
Genome position (GRCh38, 1-based): chr2:178,618,492, C>G on the plus strand (G>C on the coding strand, the complement: TTN is on the minus strand). VCF-style: chr2-178618492-C-G. GRCh37 (hg19) VCF-style: chr2-179483219-C-G.
Other names: c.19772-1G>C (NM_003319.4); c.20348-1G>C (NM_133437.4); c.20147-1G>C (NM_133432.3); c.39263-1G>C (NM_133378.4); c.42044-1G>C (NM_001256850.1).
Identifiers: ClinVar variation 3751995 (VCV003751995.2).

ClinVar aggregate classification (germline): Likely pathogenic (1 of 4 stars; one submission).

Conditions:
Autosomal recessive limb-girdle muscular dystrophy type 2J (LGMDR10). Also called: Limb-girdle muscular dystrophy, type 2J; MUSCULAR DYSTROPHY, LIMB-GIRDLE, AUTOSOMAL RECESSIVE 10. Identifiers: Orphanet 140922, MedGen C1837342, MONDO:0012127, OMIM 608807.
Dilated cardiomyopathy 1G (CMD1G). Identifiers: Orphanet 154, MedGen C1858763, MONDO:0011400, OMIM 604145.

Submission:

Labcorp Genetics (formerly Invitae), Labcorp
Classification: Likely pathogenic for Dilated cardiomyopathy 1G; Autosomal recessive limb-girdle muscular dystrophy type 2J. Last evaluated: 2024-12-11. Review status: criteria provided, single submitter. Criteria: Invitae Variant Classification Sherloc (09022015). Collection method: clinical testing. Allele origin: germline.
Comment: This sequence change affects an acceptor splice site in intron 251 of the TTN gene. It is expected to disrupt RNA splicing and likely results in a truncated or disrupted TTN protein. This variant is not present in population databases (gnomAD no frequency). This variant has not been reported in the literature in individuals affected with TTN-related conditions. Algorithms developed to predict the effect of sequence changes on RNA splicing suggest that this variant may disrupt the consensus splice site. This variant is located in the A band of TTN (PMID: 25589632). Truncating variants in this region are significantly overrepresented in patients affected with dilated cardiomyopathy (PMID: 25589632). Truncating variants in this region have also been reported in individuals affected with autosomal recessive centronuclear myopathy (PMID: 23975875). In summary, the currently available evidence indicates that the variant is pathogenic, but additional data are needed to prove that conclusively. Therefore, this variant has been classified as Likely Pathogenic.

Literature cited by the submitters: PubMed 25589632; PubMed 23975875.